The following is an entry in ClinVar:

NM_152268.4(PARS2):c.260G>A (p.Cys87Tyr)

Gene: PARS2 (prolyl-tRNA synthetase 2, mitochondrial; minus strand). Cytogenetic location: 1p32.3.
Variant type: single nucleotide variant.
Coding change: c.260G>A on transcript NM_152268.4 (MANE Select); coding-DNA position 260, G replaced by A.
Protein change: p.Cys87Tyr; replaces cysteine 87 with tyrosine.
Molecular consequence: missense variant.
Genome position (GRCh38, 1-based): chr1:54,758,902, C>T on the plus strand (G>A on the coding strand, the complement: PARS2 is on the minus strand). VCF-style: chr1-54758902-C-T. GRCh37 (hg19) VCF-style: chr1-55224575-C-T.
Other names: short protein forms C87Y.
Identifiers: ClinVar variation 1466049 (VCV001466049.8), dbSNP rs770412142, ClinGen allele CA869524.
Genomic context (GRCh38, chr1:54,758,902, plus strand): 5'-TGGTCTATCACTCGCACGAGCTTCTCCATGGCACGGACGGTATATGGCAGGAGGTGGTAA[C>T]AGCCGGGGCTTGCTGGGTAGATCAGGCCCACCTGCAGCATCAGCCGCTGGCTCTTACAGG-3'
Protein context (NP_689481.2, residues 77-97): VGLIYPASPG[Cys87Tyr]YHLLPYTVRA

ClinVar aggregate classification (germline): Uncertain significance (1 of 4 stars; one submission).

Allele frequency attached by ClinVar (database versions not stated): gnomAD exomes 0.00001 and 0.00002; ExAC 0.00003.
gnomAD v4.1: 12 of 1,614,206 alleles (0.00074%); highest among the groups gnomAD compares: Non-Finnish European, 0.00093%; no homozygotes.

Submission:

Labcorp Genetics (formerly Invitae), Labcorp
Classification: Uncertain significance. Last evaluated: 2021-12-03. Review status: criteria provided, single submitter. Criteria: Invitae Variant Classification Sherloc (09022015). Collection method: clinical testing. Allele origin: germline.
Comment: This sequence change replaces cysteine, which is neutral and slightly polar, with tyrosine, which is neutral and polar, at codon 87 of the PARS2 protein (p.Cys87Tyr). This variant is present in population databases (rs770412142, gnomAD 0.004%). This variant has not been reported in the literature in individuals affected with PARS2-related conditions. Algorithms developed to predict the effect of missense changes on protein structure and function are either unavailable or do not agree on the potential impact of this missense change (SIFT: "Tolerated"; PolyPhen-2: "Possibly Damaging"; Align-GVGD: "Class C0"). In summary, the available evidence is currently insufficient to determine the role of this variant in disease. Therefore, it has been classified as a Variant of Uncertain Significance.